The following is an entry in ClinVar:

NM_001267550.2(TTN):c.6172A>G (p.Lys2058Glu)

Gene: TTN (titin; minus strand). Cytogenetic location: 2q31.2.
Variant type: single nucleotide variant.
Coding change: c.6172A>G on transcript NM_001267550.2 (MANE Select); coding-DNA position 6172, A replaced by G.
Protein change: p.Lys2058Glu; replaces lysine 2058 with glutamic acid.
Molecular consequence: missense variant.
Genome position (GRCh38, 1-based): chr2:178,775,692, T>C on the plus strand (A>G on the coding strand, the complement: TTN is on the minus strand). VCF-style: chr2-178775692-T-C. GRCh37 (hg19) VCF-style: chr2-179640419-T-C.
Other names: c.6172A>G, p.Lys2058Glu (NM_133378.4, NM_001256850.1, NM_133379.5); c.6034A>G, p.Lys2012Glu (NM_003319.4, NM_133432.3, NM_133437.4); short protein forms K2058E, K2012E.
Identifiers: ClinVar variation 192077 (VCV000192077.4), dbSNP rs786205405, ClinGen allele CA238264.

ClinVar aggregate classification (germline): Uncertain significance. Review status: criteria provided, multiple submitters, no conflicts (2 of 4 stars). 3 submissions from 3 submitters: Uncertain significance (3). Last evaluated 2023-08-19.

Conditions:
Cardiovascular phenotype. Identifiers: MedGen CN230736.

Allele frequency attached by ClinVar (database versions not stated): TOPMed 0.00001.

Submissions (3):

Women's Health and Genetics/Laboratory Corporation of America, LabCorp
Classification: Uncertain significance. Last evaluated: 2023-08-19. Review status: criteria provided, single submitter. Criteria: LabCorp Variant Classification Summary - May 2015. Collection method: clinical testing. Allele origin: germline.

Ambry Genetics
Classification: Uncertain significance for Cardiovascular phenotype. Last evaluated: 2019-09-17. Review status: criteria provided, single submitter. Criteria: Ambry Variant Classification Scheme 2023. Collection method: clinical testing. Allele origin: germline.
Comment: The p.K2012E variant (also known as c.6034A>G), located in coding exon 26 of the TTN gene, results from an A to G substitution at nucleotide position 6034. The lysine at codon 2012 is replaced by glutamic acid, an amino acid with similar properties. This alteration, referred to as p.K2058E (c.6172A>G), has been reported as a secondary cardiac variant in an exome cohort (Ng D et al. Circ Cardiovasc Genet, 2013 Aug;6:337-46). This amino acid position is well conserved in available vertebrate species. In addition, this alteration is predicted to be tolerated by in silico analysis. Since supporting evidence is limited at this time, the clinical significance of this alteration remains unclear.

Biesecker Lab/Clinical Genomics Section, National Institutes of Health
Classification: Uncertain significance. Last evaluated: 2013-06-24. Review status: criteria provided, single submitter. Criteria: Ng et al. (Circ Cardiovasc Genet. 2013). Collection method: research. Allele origin: unknown. Observed: 1 variant allele. Study: ClinSeq.
Comment: The study set was not selected for affection status in relation to any cancer. Pathogenicity categories were based on literature curation. See Pubmed ID:23861362 for details.

Medical sequencing

Literature cited by the submitters: PubMed 23861362 (cited by Ambry Genetics).